The following is an entry in ClinVar:

ClinVar aggregate classification (germline): Conflicting classifications of pathogenicity. Review status: criteria provided, conflicting classifications (1 of 4 stars). 2 submissions from 2 submitters: Uncertain significance (1); Likely benign (1). Last evaluated 2025-07-13.

Conditions:
Primary ciliary dyskinesia. Also called: Ciliary dyskinesia. Identifiers: Orphanet 244, MedGen C0008780, MONDO:0016575, HP:0012265.

Allele frequency attached by ClinVar (database versions not stated): gnomAD exomes 0.00004; gnomAD 0.00038; 1000 Genomes Project 30x 0.00062; TOPMed 0.00074; 1000 Genomes Project 0.00080; ESP Exome Variant Server 0.00108.
gnomAD v4.1: 128 of 1,609,260 alleles (0.008%); highest among the groups gnomAD compares: African/African-American, 0.16%; no homozygotes.

Submissions (2):

Labcorp Genetics (formerly Invitae), Labcorp
Classification: Likely benign for Primary ciliary dyskinesia. Last evaluated: 2025-07-13. Review status: criteria provided, single submitter. Criteria: Invitae Variant Classification Sherloc (09022015). Collection method: clinical testing. Allele origin: germline.

GeneDx
Classification: Uncertain significance. Last evaluated: 2022-02-15. Review status: criteria provided, single submitter. Criteria: GeneDx Variant Classification Process June 2021. Collection method: clinical testing. Allele origin: germline. Affected: yes.
Comment: In silico analysis supports that this missense variant does not alter protein structure/function; Has not been previously published as pathogenic or benign to our knowledge

NM_018139.3(DNAAF2):c.2281A>G (p.Thr761Ala)

Gene: DNAAF2 (dynein axonemal assembly factor 2; minus strand). Cytogenetic location: 14q21.3.
Variant type: single nucleotide variant.
Coding change: c.2281A>G on transcript NM_018139.3 (MANE Select); coding-DNA position 2281, A replaced by G.
Protein change: p.Thr761Ala; replaces threonine 761 with alanine.
Molecular consequence: missense variant.
Genome position (GRCh38, 1-based): chr14:49,625,775, T>C on the plus strand (A>G on the coding strand, the complement: DNAAF2 is on the minus strand). VCF-style: chr14-49625775-T-C. GRCh37 (hg19) VCF-style: chr14-50092493-T-C.
Other names: c.2137A>G, p.Thr713Ala (NM_001083908.2); c.70A>G, p.Thr24Ala (NM_001378453.1); short protein forms T713A, T761A, T24A.
Identifiers: ClinVar variation 697079 (VCV000697079.9), dbSNP rs148936584, ClinGen allele CA7172730.
Genomic context (GRCh38, chr14:49,625,775, plus strand): 5'-TTTCTTTCTCTTCAGTTATTACTGACTCGTTTAAGTTATCTTTTTCCTCATTTGAACAAG[T>C]AGCACTTTTTTCTTTTATAAATTCAGATTGCATTTTTGACTCAGGTTGCTGAGATTTTCC-3'
Protein context (NP_060609.2, residues 751-771): QSEFIKEKSA[Thr761Ala]CSNEEKDNLN